The following is an entry in ClinVar:

ClinVar aggregate classification (germline): Conflicting classifications of pathogenicity. Review status: criteria provided, conflicting classifications (1 of 4 stars). 6 submissions from 6 submitters: Uncertain significance (1); Benign (1); Likely benign (4). Last evaluated 2026-02-01.

Conditions:
Cutis laxa with osteodystrophy (ARCL2A). Also called: CUTIS LAXA WITH CONGENITAL DISORDER OF GLYCOSYLATION; CUTIS LAXA, AUTOSOMAL RECESSIVE, TYPE IIA; CUTIS LAXA WITH BONE DYSTROPHY; CUTIS LAXA WITH GROWTH AND DEVELOPMENTAL DELAY; CUTIS LAXA WITH JOINT LAXITY AND RETARDED DEVELOPMENT; Autosomal recessive cutis laxa type 2A. Identifiers: Orphanet 357058, MedGen C0268355, MONDO:0018163, OMIM 219200. Disease mechanism: loss of function.
ATP6V0A2-related disorder. Also called: ATP6V0A2-related condition.
ALG9 congenital disorder of glycosylation (CDG1L). Also called: CDG Il; CONGENITAL DISORDER OF GLYCOSYLATION, TYPE Il; ALG9-CDG. Identifiers: Orphanet 79328, MedGen C2931006, MONDO:0012117, OMIM 608776.

Allele frequency attached by ClinVar (database versions not stated): ESP Exome Variant Server 0.00008; gnomAD 0.00021 and 0.00026; TOPMed 0.00026; gnomAD exomes 0.00044; ExAC 0.00049.
gnomAD v4.1: 486 of 1,614,218 alleles (0.03%); highest among the groups gnomAD compares: Middle Eastern, 0.53%; 1 homozygote.

Submissions (6):

Labcorp Genetics (formerly Invitae), Labcorp
Classification: Benign for ALG9 congenital disorder of glycosylation. Last evaluated: 2026-02-01. Review status: criteria provided, single submitter. Criteria: Invitae Variant Classification Sherloc (09022015). Collection method: clinical testing. Allele origin: germline.

CeGaT Center for Human Genetics Tuebingen
Classification: Likely benign. Last evaluated: 2025-03-01. Review status: criteria provided, single submitter. Criteria: CeGaT Center For Human Genetics Tuebingen Variant Classification Criteria Version 2. Collection method: clinical testing. Allele origin: germline. Affected: yes. Observed: 2 variant alleles.
Comment: ATP6V0A2: BP4, BP7

PreventionGenetics, part of Exact Sciences
Classification: Likely benign for ATP6V0A2-related condition. Last evaluated: 2024-10-13. Review status: criteria provided, single submitter. Criteria: ACMG Guidelines, 2015. Collection method: clinical testing. Allele origin: germline.
Comment: This variant is classified as likely benign based on ACMG/AMP sequence variant interpretation guidelines (Richards et al. 2015 PMID: 25741868, with internal and published modifications).

Blueprint Genetics
Classification: Likely benign. Last evaluated: 2024-09-23. Review status: criteria provided, single submitter. Criteria: ACMG Guidelines, 2015. Collection method: clinical testing. Allele origin: germline.

GeneDx
Classification: Likely benign. Last evaluated: 2021-01-05. Review status: criteria provided, single submitter. Criteria: GeneDx Variant Classification Process June 2021. Collection method: clinical testing. Allele origin: germline. Affected: yes.

Illumina Laboratory Services, Illumina
Classification: Uncertain significance for Cutis laxa with osteodystrophy. Last evaluated: 2018-01-12. Review status: criteria provided, single submitter. Criteria: ICSL Variant Classification Criteria 13 December 2019. Collection method: clinical testing. Allele origin: germline.

NM_012463.4(ATP6V0A2):c.2014T>C (p.Leu672=)

Gene: ATP6V0A2 (ATPase H+ transporting V0 subunit a2; plus strand). Cytogenetic location: 12q24.31.
Variant type: single nucleotide variant.
Coding change: c.2014T>C on transcript NM_012463.4 (MANE Select); coding-DNA position 2014, T replaced by C.
Protein change: p.Leu672=; no amino-acid change (leucine 672 retained).
Molecular consequence: synonymous variant.
Genome position (GRCh38, 1-based): chr12:123,751,188, T>C. VCF-style: chr12-123751188-T-C. GRCh37 (hg19) VCF-style: chr12-124235735-T-C.
Identifiers: ClinVar variation 307594 (VCV000307594.32), dbSNP rs367950442, ClinGen allele CA6862089.